The following is an entry in ClinVar:

NM_000075.4(CDK4):c.163C>G (p.Arg55Gly)

Genes: CDK4 (cyclin dependent kinase 4; minus strand), LOC130008148 (ATAC-STARR-seq lymphoblastoid silent region 4588; plus strand). Cytogenetic location: 12q14.1.
Variant type: single nucleotide variant.
Coding change: c.163C>G on transcript NM_000075.4 (MANE Select); coding-DNA position 163, C replaced by G.
Protein change: p.Arg55Gly; replaces arginine 55 with glycine.
Molecular consequence: missense variant.
Genome position (GRCh38, 1-based): chr12:57,751,555, G>C on the plus strand (C>G on the coding strand, the complement: CDK4 is on the minus strand). VCF-style: chr12-57751555-G-C. GRCh37 (hg19) VCF-style: chr12-58145338-G-C.
Other names: short protein forms R55G.
Identifiers: ClinVar variation 485492 (VCV000485492.5), dbSNP rs1555201372, ClinGen allele CA385548638.
Genomic context (GRCh38, chr12:57,751,555, plus strand): 5'-CTCACCGGACAACATTGGGATGCTCAAAAGCCTCCAGTCGCCTCAGTAAAGCCACCTCAC[G>C]AACTGTGCTGATGGGAAGGCCTCCTCCACCTCCTCCTCCATTGGGGACTCTCACACTCTT-3'
Protein context (NP_000066.1, residues 45-65): GGGGLPISTV[Arg55Gly]EVALLRRLEA

ClinVar aggregate classification (germline): Uncertain significance (1 of 4 stars; one submission).

Conditions:
Hereditary cancer-predisposing syndrome. Also called: Neoplastic Syndromes, Hereditary; Tumor predisposition; Hereditary Cancer Syndrome; Hereditary neoplastic syndrome. Identifiers: Orphanet 140162, MedGen C0027672, MeSH D009386, MONDO:0015356.

gnomAD v4.1: 1 of 1,614,076 alleles (0.000062%); no homozygotes.

Submission:

Ambry Genetics
Classification: Uncertain significance for Hereditary cancer-predisposing syndrome. Last evaluated: 2017-03-13. Review status: criteria provided, single submitter. Criteria: Ambry Variant Classification Scheme 2023. Collection method: clinical testing. Allele origin: germline.
Comment: The p.R55G variant (also known as c.163C>G), located in coding exon 1 of the CDK4 gene, results from a C to G substitution at nucleotide position 163. The arginine at codon 55 is replaced by glycine, an amino acid with dissimilar properties. This amino acid position is well conserved in available vertebrate species. In addition, this alteration is predicted to be deleterious by in silico analysis. Since supporting evidence is limited at this time, the clinical significance of this alteration remains unclear.